The following is an entry in ClinVar:

NM_001003787.4(STRADA):c.227-6T>C

Gene: STRADA (STE20 related adaptor alpha; minus strand). Cytogenetic location: 17q23.3.
Variant type: single nucleotide variant.
Coding change: c.227-6T>C on transcript NM_001003787.4 (MANE Select); 6 bases into the intron before coding-DNA position 227, T replaced by C.
Molecular consequence: intron variant.
Genome position (GRCh38, 1-based): chr17:63,713,533, A>G on the plus strand (T>C on the coding strand, the complement: STRADA is on the minus strand). VCF-style: chr17-63713533-A-G. GRCh37 (hg19) VCF-style: chr17-61790893-A-G.
Other names: c.227-6T>C (NM_001003787.2, NM_001363788.1); c.116-6T>C (NM_001363789.1, NM_001003786.3, NM_153335.6); c.53-6T>C (NM_001363790.1, NM_001363791.1, NM_001003788.3); c.203-6T>C (NM_001363786.1); c.140-6T>C (NM_001165969.2, NM_001363787.1); c.95-6T>C (NM_001165970.2).
Identifiers: ClinVar variation 2081343 (VCV002081343.6), dbSNP rs756291200, ClinGen allele CA8703449.

ClinVar aggregate classification (germline): Likely benign. Review status: criteria provided, single submitter (1 of 4 stars). 2 submissions from 2 submitters: Likely benign (1). 1 of the submissions does not count toward it. Last evaluated 2026-02-03.

Conditions:
STRADA-related disorder. Also called: STRADA-related condition.
Polyhydramnios, megalencephaly, and symptomatic epilepsy (PMSE). Also called: PMSE SYNDROME. Identifiers: Orphanet 500533, MedGen C1970203, MONDO:0012611, OMIM 611087.

Allele frequency attached by ClinVar (database versions not stated): gnomAD 0.00001; gnomAD exomes 0.00001; TOPMed 0.00001; ExAC 0.00002.

Submissions (2):

Labcorp Genetics (formerly Invitae), Labcorp
Classification: Likely benign for Polyhydramnios, megalencephaly, and symptomatic epilepsy. Last evaluated: 2026-02-03. Review status: criteria provided, single submitter. Criteria: Invitae Variant Classification Sherloc (09022015). Collection method: clinical testing. Allele origin: germline.

PreventionGenetics, part of Exact Sciences
Classification: Likely benign for STRADA-related condition. Last evaluated: 2019-09-17. Review status: no assertion criteria provided. Collection method: clinical testing. Allele origin: germline. Not counted in ClinVar's aggregate classification.
Comment: This variant is classified as likely benign based on ACMG/AMP sequence variant interpretation guidelines (Richards et al. 2015 PMID: 25741868, with internal and published modifications).